The following is an entry in ClinVar:

NM_005751.5(AKAP9):c.11297G>A (p.Arg3766Gln)

Gene: AKAP9 (A-kinase anchoring protein 9; plus strand). Cytogenetic location: 7q21.2.
Variant type: single nucleotide variant.
Coding change: c.11297G>A on transcript NM_005751.5 (MANE Select); coding-DNA position 11297, G replaced by A.
Protein change: p.Arg3766Gln; replaces arginine 3766 with glutamine.
Molecular consequence: missense variant.
Genome position (GRCh38, 1-based): chr7:92,102,793, G>A. VCF-style: chr7-92102793-G-A. GRCh37 (hg19) VCF-style: chr7-91732107-G-A.
Other names: c.11297G>A (NM_005751.4); c.5942G>A, p.Arg1981Gln (NM_001379277.1); c.11273G>A, p.Arg3758Gln (NM_147185.3); short protein forms R3758Q, R3766Q, R1981Q.
Identifiers: ClinVar variation 487596 (VCV000487596.9), dbSNP rs137892407, ClinGen allele CA4338138.

ClinVar aggregate classification (germline): Conflicting classifications of pathogenicity. Review status: criteria provided, conflicting classifications (1 of 4 stars). 3 submissions from 3 submitters: Uncertain significance (1); Likely benign (1). 1 of the submissions does not count toward it. Last evaluated 2025-08-18.

Conditions:
Long QT syndrome (LQTS). Identifiers: MedGen C0023976, MeSH D008133, MONDO:0002442. Disease mechanism: loss of function. Inheritance: Various modes of inheritance.
Cardiovascular phenotype. Identifiers: MedGen CN230736.
Wolff-Parkinson-White pattern. Also called: WPW SYNDROME; Auriculoventricular accessory pathway syndrome; False bundle branch block syndrome; Anomalous ventricular excitation syndrome. Identifiers: MedGen C0043202, MONDO:0008685, OMIM 194200, HP:0001716.

Allele frequency attached by ClinVar (database versions not stated): ESP Exome Variant Server 0.00008; TOPMed 0.00010; gnomAD 0.00016; 1000 Genomes Project 0.00060; 1000 Genomes Project 30x 0.00062.
gnomAD v4.1: 96 of 1,614,172 alleles (0.0059%); highest among the groups gnomAD compares: South Asian, 0.035%; 1 homozygote.

Submissions (3):

Labcorp Genetics (formerly Invitae), Labcorp
Classification: Uncertain significance for Long QT syndrome. Last evaluated: 2025-08-18. Review status: criteria provided, single submitter. Criteria: Invitae Variant Classification Sherloc (09022015). Collection method: clinical testing. Allele origin: germline.
Comment: This sequence change replaces arginine, which is basic and polar, with glutamine, which is neutral and polar, at codon 3766 of the AKAP9 protein (p.Arg3766Gln). This variant is present in population databases (rs137892407, gnomAD 0.05%). This missense change has been observed in individual(s) with AKAP9-related conditions (PMID: 32233023). This variant is also known as c.11273G>A, (p.Arg3758Gln). ClinVar contains an entry for this variant (Variation ID: 487596). An algorithm developed to predict the effect of missense changes on protein structure and function (PolyPhen-2) suggests that this variant is likely to be disruptive. In summary, the available evidence is currently insufficient to determine the role of this variant in disease. Therefore, it has been classified as a Variant of Uncertain Significance.

Ambry Genetics
Classification: Likely benign for Cardiovascular phenotype. Last evaluated: 2023-10-13. Review status: criteria provided, single submitter. Criteria: Ambry Variant Classification Scheme 2023. Collection method: clinical testing. Allele origin: germline.

Lupski Lab, Baylor-Hopkins CMG, Baylor College of Medicine
Classification: Uncertain significance for Wolff-Parkinson-White pattern. Last evaluated: 2017-07-14. Review status: no assertion criteria provided. Collection method: research. Allele origin: unknown. Affected: yes. Observed: 1 variant allele. Study: Candidate_variants_in_patients_with_ Wolff-Parkinson-White Syndrome. Not counted in ClinVar's aggregate classification.

Literature cited by the submitters: PubMed 32233023 (cited by Labcorp Genetics (formerly Invitae), Labcorp).